The following is an entry in ClinVar:

ClinVar aggregate classification (germline): Uncertain significance. Review status: criteria provided, single submitter (1 of 4 stars). 2 submissions from 2 submitters: Uncertain significance (1). 1 of the submissions does not count toward it. Last evaluated 2024-09-01.

Conditions:
Hereditary breast ovarian cancer syndrome. Also called: Hereditary breast and/or ovarian cancer syndrome; Breast and ovarian cancer; Hereditary breast and ovarian cancer syndrome; Hereditary breast and ovarian cancer; Hereditary breast and ovarian cancer syndrome (HBOC); BRCA1- and BRCA2-Associated Hereditary Breast and Ovarian Cancer. Identifiers: Orphanet 145, MedGen C0677776, MeSH D061325, MONDO:0003582. Disease mechanism: loss of function.
Breast-ovarian cancer, familial, susceptibility to, 1 (BROVCA1). Also called: BRCA1 Hereditary Breast and Ovarian Cancer; OVARIAN CANCER, SUSCEPTIBILITY TO. Identifiers: Orphanet 145, MedGen C2676676, MONDO:0011450, OMIM 604370. Disease mechanism: loss of function.

Submissions (2):

Labcorp Genetics (formerly Invitae), Labcorp
Classification: Uncertain significance for Hereditary breast ovarian cancer syndrome. Last evaluated: 2024-09-01. Review status: criteria provided, single submitter. Criteria: Invitae Variant Classification Sherloc (09022015). Collection method: clinical testing. Allele origin: germline.
Comment: This sequence change replaces serine, which is neutral and polar, with leucine, which is neutral and non-polar, at codon 770 of the BRCA1 protein (p.Ser770Leu). This variant is not present in population databases (gnomAD no frequency). This variant has not been reported in the literature in individuals affected with BRCA1-related conditions. ClinVar contains an entry for this variant (Variation ID: 125553). Invitae Evidence Modeling of protein sequence and biophysical properties (such as structural, functional, and spatial information, amino acid conservation, physicochemical variation, residue mobility, and thermodynamic stability) indicates that this missense variant is not expected to disrupt BRCA1 protein function with a negative predictive value of 95%. In summary, the available evidence is currently insufficient to determine the role of this variant in disease. Therefore, it has been classified as a Variant of Uncertain Significance.

Breast Cancer Information Core (BIC) (BRCA1)
Classification: Pathogenic for Breast-ovarian cancer, familial 1. Last evaluated: 2005-06-06. Review status: no assertion criteria provided. Collection method: clinical testing. Allele origin: germline. Affected: yes. Observed: 1 variant allele. Not counted in ClinVar's aggregate classification.

NM_007294.4(BRCA1):c.2309C>T (p.Ser770Leu)

Gene: BRCA1 (BRCA1 DNA repair associated; minus strand). Cytogenetic location: 17q21.31.
Variant type: single nucleotide variant.
Coding change: c.2309C>T on transcript NM_007294.4 (MANE Select); coding-DNA position 2309, C replaced by T.
Protein change: p.Ser770Leu; replaces serine 770 with leucine.
Molecular consequence: missense variant. On other transcripts: intron variant (137).
Genome position (GRCh38, 1-based): chr17:43,093,222, G>A on the plus strand (C>T on the coding strand, the complement: BRCA1 is on the minus strand). VCF-style: chr17-43093222-G-A. GRCh37 (hg19) VCF-style: chr17-41245239-G-A.
Other names: S770X; c.2096C>T, p.Ser699Leu (NM_001407571.1, NM_001407915.1, NM_001407916.1 and 9 more transcripts); c.2309C>T, p.Ser770Leu (NM_001407581.1, NM_001407582.1, NM_001407583.1 and 30 more transcripts); c.2306C>T, p.Ser769Leu (NM_001407587.1, NM_001407590.1, NM_001407591.1 and 22 more transcripts); c.2231C>T, p.Ser744Leu (NM_001407653.1, NM_001407654.1, NM_001407655.1 and 4 more transcripts); c.2228C>T, p.Ser743Leu (NM_001407659.1, NM_001407660.1, NM_001407661.1 and 1 more transcripts); c.2183C>T, p.Ser728Leu (NM_001407671.1, NM_001407672.1, NM_001407673.1 and 11 more transcripts); c.2186C>T, p.Ser729Leu (NM_001407674.1, NM_001407675.1, NM_001407676.1 and 19 more transcripts); and 42 more; short protein forms S770L, S723L, S474L, S681L, S699L, S700L, S722L, S729L.
Identifiers: ClinVar variation 125553 (VCV000125553.4), dbSNP rs80357063, ClinGen allele CA001537.